The following is an entry in ClinVar:

NM_000135.4(FANCA):c.4196C>T (p.Ala1399Val)

Genes: FANCA (FA complementation group A; minus strand), ZNF276 (zinc finger protein 276; plus strand). Cytogenetic location: 16q24.3.
Variant type: single nucleotide variant.
Coding change: c.4196C>T on transcript NM_000135.4 (MANE Select); coding-DNA position 4196, C replaced by T.
Protein change: p.Ala1399Val; replaces alanine 1399 with valine.
Molecular consequence: missense variant. On other transcripts: synonymous variant (1), 3 prime UTR variant (2), non-coding transcript variant (4).
Genome position (GRCh38, 1-based): chr16:89,738,946, G>A on the plus strand (C>T on the coding strand, the complement: FANCA is on the minus strand). VCF-style: chr16-89738946-G-A. GRCh37 (hg19) VCF-style: chr16-89805354-G-A.
Other names: c.4200C>T, p.Ser1400= (NM_001286167.3); c.*700G>A (NM_001113525.2, NM_152287.4); short protein forms A1399V.
Identifiers: ClinVar variation 1399364 (VCV001399364.6), dbSNP rs1457671800, ClinGen allele CA397483613.

ClinVar aggregate classification (germline): Uncertain significance. Review status: criteria provided, multiple submitters, no conflicts (2 of 4 stars). 3 submissions from 3 submitters: Uncertain significance (3). Last evaluated 2025-09-14.

Conditions:
Fanconi anemia complementation group A (FANCA). Also called: FANCA-Related Fanconi Anemia; Fanconi anemia, group A. Identifiers: Orphanet 84, MedGen C3469521, MONDO:0009215, OMIM 227650.
Fanconi anemia (FA). Also called: Fanconi's anemia. Identifiers: Orphanet 84, MedGen C0015625, MeSH D005199, MONDO:0019391.

Allele frequency attached by ClinVar (database versions not stated): gnomAD exomes below 0.00001; TOPMed 0.00001.
gnomAD v4.1: 3 of 1,614,256 alleles (0.00019%); highest among the groups gnomAD compares: Non-Finnish European, 0.00025%; no homozygotes.

Submissions (3):

Labcorp Genetics (formerly Invitae), Labcorp
Classification: Uncertain significance for Fanconi anemia. Last evaluated: 2025-09-14. Review status: criteria provided, single submitter. Criteria: Invitae Variant Classification Sherloc (09022015). Collection method: clinical testing. Allele origin: germline.
Comment: This sequence change replaces alanine, which is neutral and non-polar, with valine, which is neutral and non-polar, at codon 1399 of the FANCA protein (p.Ala1399Val). This variant is present in population databases (no rsID available, gnomAD 0.0009%). This variant has not been reported in the literature in individuals affected with FANCA-related conditions. ClinVar contains an entry for this variant (Variation ID: 1399364). Invitae Evidence Modeling of protein sequence and biophysical properties (such as structural, functional, and spatial information, amino acid conservation, physicochemical variation, residue mobility, and thermodynamic stability) indicates that this missense variant is expected to disrupt FANCA protein function with a positive predictive value of 95%. In summary, the available evidence is currently insufficient to determine the role of this variant in disease. Therefore, it has been classified as a Variant of Uncertain Significance.

Johns Hopkins Genomics, Johns Hopkins University
Classification: Uncertain significance for Fanconi anemia complementation group A. Last evaluated: 2022-04-29. Review status: criteria provided, single submitter. Criteria: ACMG Guidelines, 2015. Collection method: clinical testing. Allele origin: germline.
Comment: This FANCA missense variant (rs1457671800) is rare (<0.1%) in a large population dataset (gnomAD: 1/251486 total alleles; 0.0004%; no homozygotes). This variant has been reported in ClinVar [Variation ID 1399364], but has not been reported in the literature, to our knowledge. Of three bioinformatics tools queried, two predict that the substitution would be damaging while one predicts that it would be tolerated. The alanine residue at this position is evolutionarily conserved across most species assessed. We consider the clinical significance of c.4196C>T to be uncertain at this time.

Blueprint Genetics
Classification: Uncertain significance. Last evaluated: 2020-06-25. Review status: criteria provided, single submitter. Criteria: ACMG Guidelines, 2015. Collection method: clinical testing. Allele origin: germline.